The following is an entry in ClinVar:

NM_006506.5(RASA2):c.1929G>T (p.Gln643His)

Gene: RASA2 (RAS p21 protein activator 2; plus strand). Cytogenetic location: 3q23.
Variant type: single nucleotide variant.
Coding change: c.1929G>T on transcript NM_006506.5 (MANE Select); coding-DNA position 1929, G replaced by T.
Protein change: p.Gln643His; replaces glutamine 643 with histidine.
Molecular consequence: missense variant.
Genome position (GRCh38, 1-based): chr3:141,586,748, G>T. VCF-style: chr3-141586748-G-T. GRCh37 (hg19) VCF-style: chr3-141305590-G-T.
Other names: c.1929G>T, p.Gln643His (NM_001303245.3, NM_001303246.3); short protein forms Q643H.
Identifiers: ClinVar variation 3681047 (VCV003681047.2).
Genomic context (GRCh38, chr3:141,586,748, plus strand): 5'-AAAGAATTTTAAGAAACGATGGTTCTGCTTAACAAGCAGAGAGCTCACCTACCACAAACA[G>T]CCAGGTAGTTGTGTTTATGCTTTATTGTGGGGTTTTTCCTGGTTCTCAGTGAAGGTTTCT-3'
Protein context (NP_006497.2, residues 633-653): LTSRELTYHK[Gln643His]PGKDAIYTIP

ClinVar aggregate classification (germline): Uncertain significance (1 of 4 stars; one submission).

gnomAD v4.1: 2 of 1,608,224 alleles (0.00012%); highest among the groups gnomAD compares: South Asian, 0.0022%; no homozygotes.

Submission:

Labcorp Genetics (formerly Invitae), Labcorp
Classification: Uncertain significance. Last evaluated: 2024-02-19. Review status: criteria provided, single submitter. Criteria: Invitae Variant Classification Sherloc (09022015). Collection method: clinical testing. Allele origin: germline.
Comment: This sequence change replaces glutamine, which is neutral and polar, with histidine, which is basic and polar, at codon 643 of the RASA2 protein (p.Gln643His). This variant is present in population databases (rs781360430, gnomAD 0.003%). This variant has not been reported in the literature in individuals affected with RASA2-related conditions. Advanced modeling of protein sequence and biophysical properties (such as structural, functional, and spatial information, amino acid conservation, physicochemical variation, residue mobility, and thermodynamic stability) performed at Invitae indicates that this missense variant is not expected to disrupt RASA2 protein function with a negative predictive value of 80%. In summary, the available evidence is currently insufficient to determine the role of this variant in disease. Therefore, it has been classified as a Variant of Uncertain Significance.